The following is an entry in ClinVar:

ClinVar aggregate classification (germline): Likely benign. Review status: criteria provided, multiple submitters, no conflicts (2 of 4 stars). 3 submissions from 3 submitters: Likely benign (3). Last evaluated 2025-12-20.

Allele frequency attached by ClinVar (database versions not stated): ExAC 0.00007; gnomAD exomes 0.00008 and 0.00014; gnomAD 0.00012 and 0.00014; TOPMed 0.00012.
gnomAD v4.1: 217 of 1,613,794 alleles (0.013%); highest among the groups gnomAD compares: Non-Finnish European, 0.017%; no homozygotes.

Submissions (4):

Labcorp Genetics (formerly Invitae), Labcorp
Classification: Likely benign. Last evaluated: 2025-12-20. Review status: criteria provided, single submitter. Criteria: Invitae Variant Classification Sherloc (09022015). Collection method: clinical testing. Allele origin: germline.

CeGaT Center for Human Genetics Tuebingen
Classification: Likely benign. Last evaluated: 2025-07-01. Review status: criteria provided, single submitter. Criteria: CeGaT Center For Human Genetics Tuebingen Variant Classification Criteria Version 2. Collection method: clinical testing. Allele origin: germline. Affected: yes. Observed: 1 variant allele.
Comment: KMT2A: BP4, BP7

GeneDx
Classification: Likely benign. Last evaluated: 2021-05-25. Review status: criteria provided, single submitter. Criteria: GeneDx Variant Classification Process June 2021. Collection method: clinical testing. Allele origin: germline. Affected: yes.

Dr. Peter K. Rogan Lab, Western University
No classification provided (evidence only). Condition: Melanoma. Review status: no classification provided. Collection method: in vitro. Allele origin: not applicable. Functional consequence: retained intron. Not counted in ClinVar's aggregate classification.

NM_001197104.2(KMT2A):c.6571C>A (p.Arg2191=)

Gene: KMT2A (lysine methyltransferase 2A; plus strand). Cytogenetic location: 11q23.3.
Variant type: single nucleotide variant.
Coding change: c.6571C>A on transcript NM_001197104.2 (MANE Select); coding-DNA position 6571, C replaced by A.
Protein change: p.Arg2191=; no amino-acid change (arginine 2191 retained).
Molecular consequence: synonymous variant.
Genome position (GRCh38, 1-based): chr11:118,502,463, C>A. VCF-style: chr11-118502463-C-A. GRCh37 (hg19) VCF-style: chr11-118373178-C-A.
Other names: c.6562C>A, p.Arg2188= (NM_005933.4).
Identifiers: ClinVar variation 731702 (VCV000731702.17), dbSNP rs200497972, ClinGen allele CA6304271.